The following is an entry in ClinVar:

GRCh38/hg38 15q11.2(chr15:23735121-24259372)x3

Genes: PWRN2 (Prader-Willi region non-protein coding RNA 2; minus strand), PWRN4 (Prader-Willi region non-protein coding RNA 4; plus strand), LOC126862075 (BRD4-independent group 4 enhancer GRCh37_chr15:24001764-24002963; plus strand). Cytogenetic location: 15q11.2.
Variant type: copy number gain.
Change: copy number 3 (three copies instead of two) of chr15:23,735,121-24,259,372 (524.3 kb, GRCh38 coordinates, 1-based), cytogenetic band 15q11.2.
Identifiers: ClinVar variation 57080 (VCV000057080.1).

ClinVar aggregate classification (germline): Uncertain significance (1 of 4 stars; one submission).

Submission:

ISCA site 4
Classification: Uncertain significance. Last evaluated: 2011-08-12. Review status: criteria provided, single submitter. Criteria: Kaminsky et al. (Genet Med. 2011). Collection method: clinical testing. Allele origin: unknown. Affected: yes. Observed: 1 variant allele.
Comment: Copy number variation identified through the course of routine clinical cytogenomic testing in postnatal populations. Clinical assertions have been curated as described in Kaminsky et al. 2011.